The following is an entry in ClinVar:

NM_001267550.2(TTN):c.107147del (p.Gly35716fs)

Genes: TTN (titin; minus strand), TTN-AS1 (TTN antisense RNA 1; plus strand). Cytogenetic location: 2q31.2.
Variant type: Deletion.
Coding change: c.107147del on transcript NM_001267550.2 (MANE Select); coding-DNA position 107147, one base deleted (G; older notation c.107147delG).
Protein change: p.Gly35716fs; shifts the reading frame from glycine 35716.
Molecular consequence: frameshift variant.
Genome position (GRCh38, 1-based): chr2:178,528,604, C deleted on the plus strand (G on the coding strand, the reverse complement: TTN is on the minus strand); the first of 2 consecutive C bases (chr2:178,528,604-178,528,605); deleting either gives the same sequence. VCF-style (leftmost placement, unchanged base first): chr2-178528603-TC-T. GRCh37 (hg19) VCF-style: chr2-179393330-TC-T.
Other names: c.99443delG (NM_133378.4); c.102224del, p.Gly34075fs (NM_001256850.1); c.79952del, p.Gly26651fs (NM_003319.4); c.99443del, p.Gly33148fs (NM_133378.4); c.80327del, p.Gly26776fs (NM_133432.3); c.80528del, p.Gly26843fs (NM_133437.4); short protein forms G33148fs, G35716fs, G26651fs, G26776fs, G34075fs, G26843fs.
Identifiers: ClinVar variation 229573 (VCV000229573.5), dbSNP rs876658101, ClinGen allele CA10576447.
Genomic context (GRCh38, chr2:178,528,603, plus strand): 5'-AAACCATTCGATTTCAGGGGATGGCTCGCCACTGATTTCACAAGTAAAGAGAACATTTTG[TC>T]CTTCATTAATATTTTGAGATCTAGGCTGTGAGATGAAGGCTGGAGCATCTGAGAGTTCTT-3'

ClinVar aggregate classification (germline): Uncertain significance (1 of 4 stars; one submission).

Submission:

Laboratory for Molecular Medicine, Mass General Brigham Personalized Medicine
Classification: Uncertain significance. Last evaluated: 2015-02-26. Review status: criteria provided, single submitter. Criteria: LMM Criteria. Collection method: clinical testing. Allele origin: germline. Observed: 1 variant allele.
Comment: The p.Gly33148fs variant in TTN has not been previously reported in individuals with cardiomyopathy or in large population studies. This variant is predicted to cause a frameshift, which alters the protein?s amino acid sequence beginning at position 33148 and leads to a premature termination codon 35 amino acids downst ream. This alteration is then predicted to lead to a truncated or absent protein . Frameshift and other truncating variants in TTN are strongly associated with D CM, particularly if they are located in the exons encoding for the A-band region of the protein (Herman 2012, Pugh 2014). Thr role of truncating variants in oth er domains of the protein including the M-band, where the p.Gly33148fs variant i s located, is less well understood. On the one hand there is some evidence linki ng them to disease (homozygous frameshift variants have been described in two fa milies with early onset myopathy and DCM [Carmignac 2007] and heterozygous trunc ating variants have been reported in individuals with tibial muscular dystrophy without cardiomyopathy [Hackman 2002, Hackman 2008]). However, their prevalence is higher in the general population compared to individuals with DCM (Pugh 2014) . In summary, the clinical significance of the p.Gly33148fs variant is uncertain .